The following is an entry in ClinVar:

ClinVar aggregate classification (germline): Likely pathogenic. Review status: reviewed by expert panel (3 of 4 stars). 4 submissions from 4 submitters: Likely pathogenic (1). 3 of the submissions do not count toward it. Last evaluated 2022-08-23.

Conditions:
Very long chain acyl-CoA dehydrogenase deficiency (ACADVLD). Also called: VLCAD Deficiency; Very Long-Chain Acyl-Coenzyme A Dehydrogenase Deficiency. Identifiers: Orphanet 26793, MedGen C3887523, MONDO:0008723, OMIM 201475.

Submissions (4):

ClinGen ACADVL Variant Curation Expert Panel, ClinGen
Classification: Likely pathogenic for Very long chain acyl-CoA dehydrogenase deficiency. Last evaluated: 2022-08-23. Review status: reviewed by expert panel. Criteria: clingen acadvl acmg specifications v1. Collection method: curation. Allele origin: germline. Inheritance: Autosomal recessive inheritance.
Comment: The c.1389dup (p.Thr464AspfsTer3) variant in ACADVL is a frameshift predicted to cause a premature stop codon in biologically relevant exon 14/20 leading to nonsense mediated decay in a gene in which loss-of-function is an established disease mechanism (PVS1: PMIDs 9973285, 11590124). This variant is absent from gnomAD v2.1.1 (PM2_Supporting). To our knowledge, this variant has not been reported in the literature in any individuals with VLCADD. To our knowledge, functional assays have not been reported for this variant. In summary, this variant meets the criteria to be classified as LIKELY PATHOGENIC for autosomal recessive very long chain acyl-CoA dehydrogenase (VLCAD) deficiency based on the ACMG/AMP criteria applied, as specified by the ClinGen ACADVL Variant Curation Expert Panel: PVS1, PM2_Supporting (ClinGen ACADVL VCEP specifications version#1; 08-04-2022).

Labcorp Genetics (formerly Invitae), Labcorp
Classification: Pathogenic for Very long chain acyl-CoA dehydrogenase deficiency. Last evaluated: 2024-09-23. Review status: criteria provided, single submitter. Criteria: Invitae Variant Classification Sherloc (09022015). Collection method: clinical testing. Allele origin: germline. Not counted in ClinVar's aggregate classification.
Comment: This sequence change creates a premature translational stop signal (p.Thr464Aspfs*3) in the ACADVL gene. It is expected to result in an absent or disrupted protein product. Loss-of-function variants in ACADVL are known to be pathogenic (PMID: 9973285, 11590124). This variant is not present in population databases (gnomAD no frequency). This variant has not been reported in the literature in individuals affected with ACADVL-related conditions. ClinVar contains an entry for this variant (Variation ID: 92275). For these reasons, this variant has been classified as Pathogenic.

Baylor Genetics
Classification: Pathogenic for Very long chain acyl-CoA dehydrogenase deficiency. Last evaluated: 2024-01-17. Review status: criteria provided, single submitter. Criteria: ACMG Guidelines, 2015. Collection method: clinical testing. Allele origin: unknown. Not counted in ClinVar's aggregate classification.

Eurofins Ntd Llc (ga)
Classification: Pathogenic. Last evaluated: 2012-10-05. Review status: criteria provided, single submitter. Criteria: EGL Classification Definitions. Collection method: clinical testing. Allele origin: germline. Observed: 1 variant allele, 1 heterozygote. Not counted in ClinVar's aggregate classification.

Literature cited by the submitters: PubMed 9973285 (cited by Labcorp Genetics (formerly Invitae), Labcorp); PubMed 11590124 (cited by Labcorp Genetics (formerly Invitae), Labcorp); PubMed 23757202 (cited by Eurofins Ntd Llc (ga)).

NM_000018.4(ACADVL):c.1389dup (p.Thr464fs)

Gene: ACADVL (acyl-CoA dehydrogenase very long chain; plus strand). Cytogenetic location: 17p13.1.
Variant type: Duplication.
Coding change: c.1389dup on transcript NM_000018.4 (MANE Select); coding-DNA position 1389, one base duplicated (G; older notation c.1389dupG).
Protein change: p.Thr464fs; shifts the reading frame from threonine 464.
Molecular consequence: frameshift variant.
Genome position (GRCh38, 1-based): chr17:7,224,024, G duplicated; the last of 4 consecutive G bases (chr17:7,224,021-7,224,024); duplicating any one gives the same sequence. VCF-style (leftmost placement, unchanged base first): chr17-7224020-A-AG. GRCh37 (hg19) VCF-style: chr17-7127339-A-AG.
Other names: NM_000018.4(ACADVL):c.1389dup; p.Thr464fs; c.1385_1386insG (NM_000018.4); c.1323dup, p.Thr442fs (NM_001033859.3); c.1458dup, p.Thr487fs (NM_001270447.2); c.1161dup, p.Thr388fs (NM_001270448.2); short protein forms T442fs, T388fs, T464fs, T487fs.
Identifiers: ClinVar variation 92275 (VCV000092275.14), dbSNP rs398123082, ClinGen allele CA220196.
Genomic context (GRCh38, chr17:7,224,020, plus strand): 5'-TGTGCTAGGAACCTGGAGTAGAGCGTGTGCTCCGAGATCTTCGCATCTTCCGGATCTTTG[A>AG]GGGGACAAATGACATTCTTCGGCTGTTTGTGGCTCTGCAGGGCTGTATGGTAAGACAGAG-3'